The following is an entry in ClinVar:

NM_007294.4(BRCA1):c.1053del (p.Glu352fs)

Gene: BRCA1 (BRCA1 DNA repair associated; minus strand). Cytogenetic location: 17q21.31.
Variant type: Deletion.
Coding change: c.1053del on transcript NM_007294.4 (MANE Select); coding-DNA position 1053, one base deleted (A; older notation c.1053delA).
Protein change: p.Glu352fs; shifts the reading frame from glutamic acid 352.
Molecular consequence: frameshift variant. On other transcripts: intron variant (137).
Genome position (GRCh38, 1-based): chr17:43,094,478, T deleted on the plus strand (A on the coding strand, the reverse complement: BRCA1 is on the minus strand); the first of 4 consecutive T bases (chr17:43,094,478-43,094,481); deleting any one gives the same sequence. VCF-style (leftmost placement, unchanged base first): chr17-43094477-CT-C. GRCh37 (hg19) VCF-style: chr17-41246494-CT-C.
Other names: c.909del, p.Glu304fs (NM_001407844.1, NM_001407845.1, NM_001407847.1 and 20 more transcripts); c.912del, p.Glu305fs (NM_001407850.1, NM_001407851.1, NM_001407692.1 and 29 more transcripts); c.840del, p.Glu281fs (NM_001407571.1, NM_001407853.1, NM_001407894.1 and 9 more transcripts); c.1053del, p.Glu352fs (NM_001407581.1, NM_001407582.1, NM_001407583.1 and 30 more transcripts); c.1050del, p.Glu351fs (NM_001407587.1, NM_001407590.1, NM_001407591.1 and 22 more transcripts); c.1044del, p.Glu349fs (NM_001407646.1, NM_001407647.1); c.930del, p.Glu311fs (NM_001407648.1, NM_001407664.1, NM_001407665.1 and 19 more transcripts); c.927del, p.Glu310fs (NM_001407649.1, NM_001407670.1, NM_001407671.1 and 11 more transcripts); and 40 more; short protein forms E224fs, E225fs, E305fs, E284fs, E311fs, E352fs, E240fs, E264fs.
Identifiers: ClinVar variation 4710824 (VCV004710824.1).

ClinVar aggregate classification (germline): Pathogenic (1 of 4 stars; one submission).

Conditions:
Hereditary breast ovarian cancer syndrome. Also called: BRCA1- and BRCA2-Associated Hereditary Breast and Ovarian Cancer; Breast and ovarian cancer; Hereditary breast and ovarian cancer syndrome; Hereditary breast and ovarian cancer syndrome (HBOC); Hereditary breast and/or ovarian cancer syndrome; Hereditary breast and ovarian cancer. Identifiers: Orphanet 145, MedGen C0677776, MeSH D061325, MONDO:0003582. Disease mechanism: loss of function.

Submission:

Labcorp Genetics (formerly Invitae), Labcorp
Classification: Pathogenic for Hereditary breast ovarian cancer syndrome. Last evaluated: 2025-02-25. Review status: criteria provided, single submitter. Criteria: Invitae Variant Classification Sherloc (09022015). Collection method: clinical testing. Allele origin: germline.
Comment: This sequence change creates a premature translational stop signal (p.Glu352Asnfs*22) in the BRCA1 gene. It is expected to result in an absent or disrupted protein product. Loss-of-function variants in BRCA1 are known to be pathogenic (PMID: 20104584). This variant is not present in population databases (gnomAD no frequency). This premature translational stop signal has been observed in individual(s) with breast and/or ovarian cancer (PMID: 38355628). For these reasons, this variant has been classified as Pathogenic.

Literature cited by the submitters: PubMed 20104584; PubMed 38355628.